The following is an entry in ClinVar:

NC_000019.10:g.21541807G>A

Gene: ZNF429 (zinc finger protein 429; plus strand). Cytogenetic location: 19p12.
Variant type: single nucleotide variant.
Genome position: GRCh38 VCF-style: chr19-21541807-G-A. GRCh37 (hg19) VCF-style: chr19-21724609-G-A.
Identifiers: ClinVar variation 2649625 (VCV002649625.24), dbSNP rs1305142811, ClinGen allele CA632474303.

ClinVar aggregate classification (germline): Likely benign (1 of 4 stars; one submission).

Allele frequency attached by ClinVar (database versions not stated): gnomAD exomes 0.00001; TOPMed 0.00001.

Submission:

CeGaT Center for Human Genetics Tuebingen
Classification: Likely benign. Last evaluated: 2023-10-01. Review status: criteria provided, single submitter. Criteria: CeGaT Center For Human Genetics Tuebingen Variant Classification Criteria Version 2. Collection method: clinical testing. Allele origin: germline. Affected: yes. Observed: 1 variant allele.
Comment: ZNF429: BP4, BP7